The following is an entry in ClinVar:

NM_001035.3(RYR2):c.13477-9C>T

Gene: RYR2 (ryanodine receptor 2; plus strand). Cytogenetic location: 1q43.
Variant type: single nucleotide variant.
Coding change: c.13477-9C>T on transcript NM_001035.3 (MANE Select); 9 bases into the intron before coding-DNA position 13477, C replaced by T.
Molecular consequence: intron variant.
Genome position (GRCh38, 1-based): chr1:237,791,420, C>T. VCF-style: chr1-237791420-C-T. GRCh37 (hg19) VCF-style: chr1-237954720-C-T.
Identifiers: ClinVar variation 764446 (VCV000764446.13), dbSNP rs1351628892, ClinGen allele CA529564566.

ClinVar aggregate classification (germline): Likely benign. Review status: criteria provided, multiple submitters, no conflicts (2 of 4 stars). 3 submissions from 3 submitters: Likely benign (3). Last evaluated 2025-05-12.

Conditions:
Catecholaminergic polymorphic ventricular tachycardia 1. Also called: VENTRICULAR TACHYCARDIA, STRESS-INDUCED POLYMORPHIC 1; VENTRICULAR TACHYCARDIA, CATECHOLAMINERGIC POLYMORPHIC, 1, WITH OR WITHOUT ATRIAL DYSFUNCTION AND/OR DILATED CARDIOMYOPATHY; RYR2-Related Catecholaminergic Polymorphic Ventricular Tachycardia. Identifiers: Orphanet 3286, MedGen C1631597, MONDO:0011484, OMIM 604772.
Cardiomyopathy (CMYO). Also called: Cardiomyopathies. Identifiers: Orphanet 167848, MedGen C0878544, MONDO:0004994, HP:0001638. Inheritance: Various modes of inheritance.

Allele frequency attached by ClinVar (database versions not stated): TOPMed below 0.00001; gnomAD 0.00001; gnomAD exomes 0.00001.
gnomAD v4.1: 12 of 1,493,998 alleles (0.0008%); highest among the groups gnomAD compares: Middle Eastern, 0.017%; no homozygotes.

Submissions (3):

Color Diagnostics, LLC DBA Color Health
Classification: Likely benign for Cardiomyopathy. Last evaluated: 2025-05-12. Review status: criteria provided, single submitter. Criteria: ACMG Guidelines, 2015. Collection method: clinical testing. Allele origin: germline.

Molecular Diagnostic Laboratory for Inherited Cardiovascular Disease, Montreal Heart Institute
Classification: Likely benign. Last evaluated: 2025-04-09. Review status: criteria provided, single submitter. Criteria: ACMG Guidelines, 2015. Collection method: clinical testing. Allele origin: germline. Affected: no.
Comment: BP6

Labcorp Genetics (formerly Invitae), Labcorp
Classification: Likely benign for Catecholaminergic polymorphic ventricular tachycardia 1. Last evaluated: 2025-03-11. Review status: criteria provided, single submitter. Criteria: Invitae Variant Classification Sherloc (09022015). Collection method: clinical testing. Allele origin: germline.